The following is an entry in ClinVar:

NM_025233.7(COASY):c.1504G>A (p.Glu502Lys)

Gene: COASY (Coenzyme A synthase; plus strand). Cytogenetic location: 17q21.2.
Variant type: single nucleotide variant.
Coding change: c.1504G>A on transcript NM_025233.7 (MANE Select); coding-DNA position 1504, G replaced by A.
Protein change: p.Glu502Lys; replaces glutamic acid 502 with lysine.
Molecular consequence: missense variant.
Genome position (GRCh38, 1-based): chr17:42,565,677, G>A. VCF-style: chr17-42565677-G-A. GRCh37 (hg19) VCF-style: chr17-40717695-G-A.
Other names: c.1504G>A, p.Glu502Lys (NM_001042529.3); c.1591G>A, p.Glu531Lys (NM_001042532.4); short protein forms E502K, E531K.
Identifiers: ClinVar variation 4281757 (VCV004281757.1).

ClinVar aggregate classification (germline): Uncertain significance (1 of 4 stars; one submission).

gnomAD v4.1: 32 of 1,614,016 alleles (0.002%); highest among the groups gnomAD compares: Non-Finnish European, 0.0025%; no homozygotes.

Submission:

GeneDx
Classification: Uncertain significance. Last evaluated: 2025-04-08. Review status: criteria provided, single submitter. Criteria: GeneDx Variant Classification Process June 2021. Collection method: clinical testing. Allele origin: germline. Affected: yes.
Comment: Not observed at significant frequency in large population cohorts (gnomAD); In silico analysis indicates that this missense variant does not alter protein structure/function; Has not been previously published as pathogenic or benign to our knowledge